The following is an entry in ClinVar:

NM_018127.7(ELAC2):c.1463C>T (p.Thr488Ile)

Gene: ELAC2 (elaC ribonuclease Z 2; minus strand). Cytogenetic location: 17p12.
Variant type: single nucleotide variant.
Coding change: c.1463C>T on transcript NM_018127.7 (MANE Select); coding-DNA position 1463, C replaced by T.
Protein change: p.Thr488Ile; replaces threonine 488 with isoleucine.
Molecular consequence: missense variant.
Genome position (GRCh38, 1-based): chr17:12,998,469, G>A on the plus strand (C>T on the coding strand, the complement: ELAC2 is on the minus strand). VCF-style: chr17-12998469-G-A. GRCh37 (hg19) VCF-style: chr17-12901786-G-A.
Other names: c.1343C>T, p.Thr448Ile (NM_001165962.2); c.1460C>T, p.Thr487Ile (NM_173717.2); short protein forms T487I, T448I, T488I.
Identifiers: ClinVar variation 1519952 (VCV001519952.8), dbSNP rs931963687, ClinGen allele CA398224711.
Genomic context (GRCh38, chr17:12,998,469, plus strand): 5'-TACCTTATGTTGACAAGTGTGGCACTGACATTTCGAATCTTCATCGGGATGGCAGACCCT[G>A]TTCCAAGGAAGATGATTTCTGGGTACTGACTTCTTTTCTCTGTGAAAAAATCCATGTGAA-3'
Protein context (NP_060597.4, residues 478-498): SQYPEIIFLG[Thr488Ile]GSAIPMKIRN

ClinVar aggregate classification (germline): Uncertain significance (1 of 4 stars; one submission).

Conditions:
Combined oxidative phosphorylation defect type 17. Also called: Combined oxidative phosphorylation deficiency 17. Identifiers: Orphanet 369913, MedGen C3809526, MONDO:0014190, OMIM 615440.

gnomAD v4.1: 11 of 1,614,206 alleles (0.00068%); highest among the groups gnomAD compares: Non-Finnish European, 0.00093%; no homozygotes.

Submission:

Labcorp Genetics (formerly Invitae), Labcorp
Classification: Uncertain significance for Combined oxidative phosphorylation defect type 17. Last evaluated: 2021-05-06. Review status: criteria provided, single submitter. Criteria: Invitae Variant Classification Sherloc (09022015). Collection method: clinical testing. Allele origin: germline.
Comment: This variant is not present in population databases (ExAC no frequency). This sequence change replaces threonine with isoleucine at codon 488 of the ELAC2 protein (p.Thr488Ile). The threonine residue is highly conserved and there is a moderate physicochemical difference between threonine and isoleucine. This variant has not been reported in the literature in individuals with ELAC2-related conditions. In summary, the available evidence is currently insufficient to determine the role of this variant in disease. Therefore, it has been classified as a Variant of Uncertain Significance. Algorithms developed to predict the effect of missense changes on protein structure and function (SIFT, PolyPhen-2, Align-GVGD) all suggest that this variant is likely to be disruptive, but these predictions have not been confirmed by published functional studies and their clinical significance is uncertain.